The following is an entry in ClinVar:

ClinVar aggregate classification (germline): Uncertain significance (1 of 4 stars; one submission).

Conditions:
Werner syndrome (WRN). Identifiers: Orphanet 902, MedGen C0043119, MONDO:0010196, OMIM 277700.

Allele frequency attached by ClinVar (database versions not stated): gnomAD 0.00001; gnomAD exomes 0.00001 and 0.00002; TOPMed 0.00001; ExAC 0.00002; 1000 Genomes Project 30x 0.00016; 1000 Genomes Project 0.00020.
gnomAD v4.1: 34 of 1,611,936 alleles (0.0021%); highest among the groups gnomAD compares: Non-Finnish European, 0.0028%; no homozygotes.

Submission:

Labcorp Genetics (formerly Invitae), Labcorp
Classification: Uncertain significance for Werner syndrome. Last evaluated: 2024-10-08. Review status: criteria provided, single submitter. Criteria: Invitae Variant Classification Sherloc (09022015). Collection method: clinical testing. Allele origin: germline.
Comment: This sequence change replaces asparagine, which is neutral and polar, with aspartic acid, which is acidic and polar, at codon 430 of the WRN protein (p.Asn430Asp). This variant is present in population databases (rs573775829, gnomAD 0.003%). This variant has not been reported in the literature in individuals affected with WRN-related conditions. ClinVar contains an entry for this variant (Variation ID: 1051926). An algorithm developed to predict the effect of missense changes on protein structure and function outputs the following: PolyPhen-2: "Benign". The aspartic acid amino acid residue is found in multiple mammalian species, which suggests that this missense change does not adversely affect protein function. In summary, the available evidence is currently insufficient to determine the role of this variant in disease. Therefore, it has been classified as a Variant of Uncertain Significance.

NM_000553.6(WRN):c.1288A>G (p.Asn430Asp)

Gene: WRN (WRN RecQ like helicase; plus strand). Cytogenetic location: 8p12.
Variant type: single nucleotide variant.
Coding change: c.1288A>G on transcript NM_000553.6 (MANE Select); coding-DNA position 1288, A replaced by G.
Protein change: p.Asn430Asp; replaces asparagine 430 with aspartic acid.
Molecular consequence: missense variant.
Genome position (GRCh38, 1-based): chr8:31,083,717, A>G. VCF-style: chr8-31083717-A-G. GRCh37 (hg19) VCF-style: chr8-30941233-A-G.
Other names: short protein forms N430D.
Identifiers: ClinVar variation 1051926 (VCV001051926.4), dbSNP rs573775829, ClinGen allele CA4704303.
Genomic context (GRCh38, chr8:31,083,717, plus strand): 5'-GTCAATTATATTGGAAATTAATGCTTAATACTTTTTTTAAAGCATTTATCTCCCAATGAT[A>G]ATGAAAACGATACGTCCTATGTAATTGAGAGTGATGAAGATTTAGAAATGGAGATGCTTA-3'
Protein context (NP_000544.2, residues 420-440): KSTEHLSPND[Asn430Asp]ENDTSYVIES